The following is an entry in ClinVar:

NM_001267550.2(TTN):c.103243G>T (p.Gly34415Cys)

Genes: TTN-AS1 (TTN antisense RNA 1; plus strand), TTN (titin; minus strand). Cytogenetic location: 2q31.2.
Variant type: single nucleotide variant.
Coding change: c.103243G>T on transcript NM_001267550.2 (MANE Select); coding-DNA position 103243, G replaced by T.
Protein change: p.Gly34415Cys; replaces glycine 34415 with cysteine.
Molecular consequence: missense variant.
Genome position (GRCh38, 1-based): chr2:178,533,372, C>A on the plus strand (G>T on the coding strand, the complement: TTN is on the minus strand). VCF-style: chr2-178533372-C-A. GRCh37 (hg19) VCF-style: chr2-179398099-C-A.
Other names: c.98320G>T, p.Gly32774Cys (NM_001256850.1); c.76048G>T, p.Gly25350Cys (NM_003319.4); c.95539G>T, p.Gly31847Cys (NM_133378.4); c.76423G>T, p.Gly25475Cys (NM_133432.3); c.76624G>T, p.Gly25542Cys (NM_133437.4); short protein forms G25350C, G25475C, G25542C, G31847C, G32774C, G34415C.
Identifiers: ClinVar variation 3755602 (VCV003755602.2).
Genomic context (GRCh38, chr2:178,533,372, plus strand): 5'-TATAATAACCCGTGTCTTCAGGCAAAGTGTCCCTGATGTGCAGAGCATAATAATCCAAGC[C>A]TTCATGGATAATTTCAATGTTAGGCCCGAGGGACAGTGGCTGACCATCTTTCTCCCATTT-3'
Protein context (NP_001254479.2, residues 34405-34425): LGPNIEIIHE[Gly34415Cys]LDYYALHIRD

ClinVar aggregate classification (germline): Uncertain significance (1 of 4 stars; one submission).

Conditions:
Dilated cardiomyopathy 1G (CMD1G). Identifiers: Orphanet 154, MedGen C1858763, MONDO:0011400, OMIM 604145.
Autosomal recessive limb-girdle muscular dystrophy type 2J (LGMDR10). Also called: Limb-girdle muscular dystrophy, type 2J; MUSCULAR DYSTROPHY, LIMB-GIRDLE, AUTOSOMAL RECESSIVE 10. Identifiers: Orphanet 140922, MedGen C1837342, MONDO:0012127, OMIM 608807.

Submission:

Labcorp Genetics (formerly Invitae), Labcorp
Classification: Uncertain significance for Dilated cardiomyopathy 1G; Autosomal recessive limb-girdle muscular dystrophy type 2J. Last evaluated: 2024-04-11. Review status: criteria provided, single submitter. Criteria: Invitae Variant Classification Sherloc (09022015). Collection method: clinical testing. Allele origin: germline.
Comment: This sequence change replaces glycine, which is neutral and non-polar, with cysteine, which is neutral and slightly polar, at codon 34415 of the TTN protein (p.Gly34415Cys). This variant is not present in population databases (gnomAD no frequency). This variant has not been reported in the literature in individuals affected with TTN-related conditions. Experimental studies and prediction algorithms are not available or were not evaluated, and the functional significance of this variant is currently unknown. This variant is located in the M band of TTN (PMID: 25589632). Non-truncating variants in this region may be relevant for neuromuscular disorders, but have not been definitively shown to cause cardiomyopathy (PMID: 23975875). In summary, the available evidence is currently insufficient to determine the role of this variant in disease. Therefore, it has been classified as a Variant of Uncertain Significance.

Literature cited by the submitters: PubMed 25589632; PubMed 23975875.